The following is an entry in ClinVar:

NM_016556.4(PSMC3IP):c.226G>A (p.Asp76Asn)

Gene: PSMC3IP (PSMC3 interacting protein; minus strand). Cytogenetic location: 17q21.2.
Variant type: single nucleotide variant.
Coding change: c.226G>A on transcript NM_016556.4 (MANE Select); coding-DNA position 226, G replaced by A.
Protein change: p.Asp76Asn; replaces aspartic acid 76 with asparagine.
Molecular consequence: missense variant. On other transcripts: 5 prime UTR variant (2), non-coding transcript variant (3).
Genome position (GRCh38, 1-based): chr17:42,574,210, C>T on the plus strand (G>A on the coding strand, the complement: PSMC3IP is on the minus strand). VCF-style: chr17-42574210-C-T. GRCh37 (hg19) VCF-style: chr17-40726228-C-T.
Other names: c.37G>A, p.Asp13Asn (NM_001256014.2); c.-12G>A (NM_001256015.2, NM_001256016.2); c.226G>A, p.Asp76Asn (NM_013290.7); short protein forms D13N, D76N.
Identifiers: ClinVar variation 2871673 (VCV002871673.3), dbSNP rs2510704453, ClinGen allele CA399607974.

ClinVar aggregate classification (germline): Uncertain significance (1 of 4 stars; one submission).

Submission:

Labcorp Genetics (formerly Invitae), Labcorp
Classification: Uncertain significance. Last evaluated: 2024-03-11. Review status: criteria provided, single submitter. Criteria: Invitae Variant Classification Sherloc (09022015). Collection method: clinical testing. Allele origin: germline.
Comment: This sequence change replaces aspartic acid, which is acidic and polar, with asparagine, which is neutral and polar, at codon 76 of the PSMC3IP protein (p.Asp76Asn). This variant is not present in population databases (gnomAD no frequency). This variant has not been reported in the literature in individuals affected with PSMC3IP-related conditions. Algorithms developed to predict the effect of missense changes on protein structure and function output the following: SIFT: "Not Available"; PolyPhen-2: "Benign"; Align-GVGD: "Not Available". The asparagine amino acid residue is found in multiple mammalian species, which suggests that this missense change does not adversely affect protein function. In summary, the available evidence is currently insufficient to determine the role of this variant in disease. Therefore, it has been classified as a Variant of Uncertain Significance.